The following is an entry in ClinVar:

NM_198578.4(LRRK2):c.6058A>G (p.Ile2020Val)

Gene: LRRK2 (leucine rich repeat kinase 2; plus strand). Cytogenetic location: 12q12.
Variant type: single nucleotide variant.
Coding change: c.6058A>G on transcript NM_198578.4 (MANE Select); coding-DNA position 6058, A replaced by G.
Protein change: p.Ile2020Val; replaces isoleucine 2020 with valine.
Molecular consequence: missense variant.
Genome position (GRCh38, 1-based): chr12:40,340,403, A>G. VCF-style: chr12-40340403-A-G. GRCh37 (hg19) VCF-style: chr12-40734205-A-G.
Other names: short protein forms I2020V.
Identifiers: ClinVar variation 1751299 (VCV001751299.2), dbSNP rs2499948259, ClinGen allele CA384403987.

ClinVar aggregate classification (germline): Uncertain significance (1 of 4 stars; one submission).

Conditions:
Inborn genetic diseases. Identifiers: MedGen C0950123, MeSH D030342.

Submission:

Ambry Genetics
Classification: Uncertain significance for Inborn genetic diseases. Last evaluated: 2021-08-13. Review status: criteria provided, single submitter. Criteria: Ambry Variant Classification Scheme 2023. Collection method: clinical testing. Allele origin: germline.
Comment: The p.I2020V variant (also known as c.6058A>G), located in coding exon 41 of the LRRK2 gene, results from an A to G substitution at nucleotide position 6058. The isoleucine at codon 2020 is replaced by valine, an amino acid with highly similar properties. This amino acid position is conserved. In addition, this alteration is predicted to be deleterious by in silico analysis. Since supporting evidence is limited at this time, the clinical significance of this alteration remains unclear.